The following is an entry in ClinVar:

ClinVar aggregate classification (germline): Uncertain significance (1 of 4 stars; one submission).

Submission:

GeneDx
Classification: Uncertain significance. Last evaluated: 2023-12-12. Review status: criteria provided, single submitter. Criteria: GeneDx Variant Classification Process June 2021. Collection method: clinical testing. Allele origin: germline. Affected: yes.
Comment: Not observed at significant frequency in large population cohorts (gnomAD); Frameshift variant predicted to result in protein truncation or nonsense mediated decay in a gene or region of a gene for which loss of function is not a well-established mechanism of disease; Has not been previously published as pathogenic or benign to our knowledge; Variants in candidate genes are classified as variants of uncertain significance in accordance with ACMG guidelines (PMID: 25741868)

NM_000718.4(CACNA1B):c.5509_5510dup (p.Leu1837fs)

Gene: CACNA1B (calcium voltage-gated channel subunit alpha1 B; plus strand). Cytogenetic location: 9q34.3.
Variant type: Duplication.
Coding change: c.5509_5510dup on transcript NM_000718.4 (MANE Select); coding-DNA positions 5509 to 5510, 2 bases duplicated (TT; older notation c.5509_5510dupTT).
Protein change: p.Leu1837fs; shifts the reading frame from leucine 1837.
Molecular consequence: frameshift variant.
Genome position (GRCh38, 1-based): chr9:138,112,478-138,112,479, TT duplicated; duplicating any 2 consecutive bases within chr9:138,112,477-138,112,479 gives the same sequence; the c. name uses the placement nearest the transcript's 3' end. VCF-style (leftmost placement, unchanged base first): chr9-138112476-C-CTT. GRCh37 (hg19) VCF-style: chr9-141006928-C-CTT.
Other names: c.5509_5510dup, p.Leu1837fs (NM_001243812.2); short protein forms L1837fs.
Identifiers: ClinVar variation 3252371 (VCV003252371.1), dbSNP rs2539590639.